The following is an entry in ClinVar:

ClinVar aggregate classification (germline): Uncertain significance. Review status: criteria provided, multiple submitters, no conflicts (2 of 4 stars). 2 submissions from 2 submitters: Uncertain significance (2). Last evaluated 2024-02-14.

Conditions:
Spastic paraplegia. Identifiers: MedGen C0037772, HP:0001258.

Allele frequency attached by ClinVar (database versions not stated): gnomAD exomes 0.00001.
gnomAD v4.1: 7 of 1,614,050 alleles (0.00043%); highest among the groups gnomAD compares: Non-Finnish European, 0.00059%; no homozygotes.

Submissions (2):

Mayo Clinic Laboratories, Mayo Clinic
Classification: Uncertain significance. Last evaluated: 2024-02-14. Review status: criteria provided, single submitter. Criteria: ACMG Guidelines, 2015. Collection method: clinical testing. Allele origin: germline. Observed: 1 variant allele.
Comment: BP4

Labcorp Genetics (formerly Invitae), Labcorp
Classification: Uncertain significance for Spastic paraplegia. Last evaluated: 2023-08-30. Review status: criteria provided, single submitter. Criteria: Invitae Variant Classification Sherloc (09022015). Collection method: clinical testing. Allele origin: germline.
Comment: In summary, the available evidence is currently insufficient to determine the role of this variant in disease. Therefore, it has been classified as a Variant of Uncertain Significance. Advanced modeling of protein sequence and biophysical properties (such as structural, functional, and spatial information, amino acid conservation, physicochemical variation, residue mobility, and thermodynamic stability) performed at Invitae indicates that this missense variant is not expected to disrupt GBA2 protein function. This variant has not been reported in the literature in individuals affected with GBA2-related conditions. This variant is present in population databases (no rsID available, gnomAD 0.0009%). This sequence change replaces methionine, which is neutral and non-polar, with isoleucine, which is neutral and non-polar, at codon 291 of the GBA2 protein (p.Met291Ile).

NM_020944.3(GBA2):c.873G>A (p.Met291Ile)

Gene: GBA2 (glucosylceramidase beta 2; minus strand). Cytogenetic location: 9p13.3.
Variant type: single nucleotide variant.
Coding change: c.873G>A on transcript NM_020944.3 (MANE Select); coding-DNA position 873, G replaced by A.
Protein change: p.Met291Ile; replaces methionine 291 with isoleucine.
Molecular consequence: missense variant.
Genome position (GRCh38, 1-based): chr9:35,740,978, C>T on the plus strand (G>A on the coding strand, the complement: GBA2 is on the minus strand). VCF-style: chr9-35740978-C-T. GRCh37 (hg19) VCF-style: chr9-35740975-C-T.
Other names: p.Met291Ile; c.873G>A, p.Met291Ile (NM_001330660.2); short protein forms M291I.
Identifiers: ClinVar variation 2854917 (VCV002854917.4), dbSNP rs1395894323, ClinGen allele CA373416387.